The following is an entry in ClinVar:

NM_006939.4(SOS2):c.1081T>A (p.Cys361Ser)

Gene: SOS2 (SOS Ras/Rho guanine nucleotide exchange factor 2; minus strand). Cytogenetic location: 14q21.3.
Variant type: single nucleotide variant.
Coding change: c.1081T>A on transcript NM_006939.4 (MANE Select); coding-DNA position 1081, T replaced by A.
Protein change: p.Cys361Ser; replaces cysteine 361 with serine.
Molecular consequence: missense variant.
Genome position (GRCh38, 1-based): chr14:50,161,597, A>T on the plus strand (T>A on the coding strand, the complement: SOS2 is on the minus strand). VCF-style: chr14-50161597-A-T. GRCh37 (hg19) VCF-style: chr14-50628315-A-T.
Other names: c.982T>A, p.Cys328Ser (NM_001411020.1); short protein forms C361S, C328S.
Identifiers: ClinVar variation 3653476 (VCV003653476.2).
Genomic context (GRCh38, chr14:50,161,597, plus strand): 5'-GATTCATGAGAGCAGTAATAGCTTGGTTCAAACATTCTCTGTCTTCTTGTTCTTCACTAC[A>T]TGCTTTCAATTGCTAAGAAAAAACAGAAAGAAAAATCAAAACTGCATTGTTTGATTCTTC-3'
Protein context (NP_008870.2, residues 351-371): YFELLKQLKA[Cys361Ser]SEEQEDRECL

ClinVar aggregate classification (germline): Uncertain significance (1 of 4 stars; one submission).

Conditions:
Noonan syndrome 9 (NS9). Identifiers: Orphanet 648, MedGen C4225282, MONDO:0014691, OMIM 616559.

gnomAD v4.1: 2 of 1,611,436 alleles (0.00012%); highest among the groups gnomAD compares: Non-Finnish European, 0.00017%; no homozygotes.

Submission:

Labcorp Genetics (formerly Invitae), Labcorp
Classification: Uncertain significance for Noonan syndrome 9. Last evaluated: 2024-05-15. Review status: criteria provided, single submitter. Criteria: Invitae Variant Classification Sherloc (09022015). Collection method: clinical testing. Allele origin: germline.
Comment: This sequence change replaces cysteine, which is neutral and slightly polar, with serine, which is neutral and polar, at codon 361 of the SOS2 protein (p.Cys361Ser). This variant is present in population databases (no rsID available, gnomAD 0.0009%). This variant has not been reported in the literature in individuals affected with SOS2-related conditions. Advanced modeling of protein sequence and biophysical properties (such as structural, functional, and spatial information, amino acid conservation, physicochemical variation, residue mobility, and thermodynamic stability) performed at Invitae indicates that this missense variant is not expected to disrupt SOS2 protein function with a negative predictive value of 80%. In summary, the available evidence is currently insufficient to determine the role of this variant in disease. Therefore, it has been classified as a Variant of Uncertain Significance.